The following is an entry in ClinVar:

ClinVar aggregate classification (germline): Uncertain significance. Review status: criteria provided, multiple submitters, no conflicts (2 of 4 stars). 3 submissions from 3 submitters: Uncertain significance (2). 1 of the submissions does not count toward it. Last evaluated 2025-10-13.

Conditions:
Retinal dystrophy. Also called: Inherited retinal dystrophy. Identifiers: Orphanet 71862, MedGen C0854723, MeSH D058499, MONDO:0019118, HP:0000556.
Achromatopsia 3 (ACHM3). Also called: ACHROMATOPSIA WITH MYOPIA; PINGELAPESE BLINDNESS; TOTAL COLORBLINDNESS WITH MYOPIA; ROD MONOCHROMACY 1; ROD MONOCHROMATISM 1. Identifiers: Orphanet 49382, MedGen C1849792, MONDO:0009875, OMIM 262300.

gnomAD v4.1: 6 of 1,614,172 alleles (0.00037%); highest among the groups gnomAD compares: African/African-American, 0.0013%; no homozygotes.

Submissions (3):

Myriad Genetics, Inc.
Classification: Uncertain significance for Achromatopsia 3. Last evaluated: 2025-10-13. Review status: criteria provided, single submitter. Criteria: Myriad Autosomal Dominant, Autosomal Recessive and X-Linked Classification Criteria (2023). Collection method: clinical testing. Allele origin: unknown.
Comment: NM_019098.4(CNGB3):c.1820A>G(N607S) is a missense variant classified as a variant of uncertain significance in the context of achromatopsia, CNGB3-related. N607S has been observed in a case with relevant disease (PMID: 39462066). Relevant functional assessments of this variant are not available in the literature. N607S has not been observed in referenced population frequency databases. In summary, there is insufficient evidence to classify NM_019098.4(CNGB3):c.1820A>G(N607S) as pathogenic or benign. Please note: this variant was assessed in the context of healthy population screening.

Blueprint Genetics
Classification: Uncertain significance. Last evaluated: 2024-04-04. Review status: criteria provided, single submitter. Criteria: ACMG Guidelines, 2015. Collection method: clinical testing. Allele origin: germline.

Institute of Human Genetics, Univ. Regensburg, Univ. Regensburg
Classification: Likely pathogenic for Retinal dystrophy. Last evaluated: 2012-01-01. Review status: no assertion criteria provided. Criteria: ACMG Guidelines, 2015. Collection method: clinical testing. Allele origin: germline. Affected: yes. Not counted in ClinVar's aggregate classification.

Literature cited by the submitters: PubMed 39462066 (cited by Myriad Genetics, Inc.).

NM_019098.5(CNGB3):c.1820A>G (p.Asn607Ser)

Gene: CNGB3 (cyclic nucleotide gated channel subunit beta 3; minus strand). Cytogenetic location: 8q21.3.
Variant type: single nucleotide variant.
Coding change: c.1820A>G on transcript NM_019098.5 (MANE Select); coding-DNA position 1820, A replaced by G.
Protein change: p.Asn607Ser; replaces asparagine 607 with serine.
Molecular consequence: missense variant.
Genome position (GRCh38, 1-based): chr8:86,579,214, T>C on the plus strand (A>G on the coding strand, the complement: CNGB3 is on the minus strand). VCF-style: chr8-86579214-T-C. GRCh37 (hg19) VCF-style: chr8-87591442-T-C.
Other names: short protein forms N607S.
Identifiers: ClinVar variation 3249955 (VCV003249955.3).